The following is an entry in ClinVar:

ClinVar aggregate classification (germline): Uncertain significance (1 of 4 stars; one submission).

Conditions:
COG7 congenital disorder of glycosylation (CDG2E). Also called: CONGENITAL DISORDER OF GLYCOSYLATION, TYPE IIe; CDG IIe. Identifiers: Orphanet 79333, MedGen C2931010, MONDO:0012118, OMIM 608779.

gnomAD v4.1: 3 of 1,613,360 alleles (0.00019%); highest among the groups gnomAD compares: East Asian, 0.0067%; no homozygotes.

Submission:

Juno Genomics, Hangzhou Juno Genomics, Inc
Classification: Uncertain significance for COG7 congenital disorder of glycosylation. Review status: criteria provided, single submitter. Criteria: ACMG Guidelines, 2015. Collection method: clinical testing. Allele origin: germline.
Comment: Absent from controls (or at extremely low frequency if recessive) in Genome Aggregation Database.;Multiple lines of computational evidence support a deleterious effect on the gene or gene product.

NM_153603.4(COG7):c.671A>G (p.Tyr224Cys)

Gene: COG7 (component of oligomeric golgi complex 7; minus strand). Cytogenetic location: 16p12.2.
Variant type: single nucleotide variant.
Coding change: c.671A>G on transcript NM_153603.4 (MANE Select); coding-DNA position 671, A replaced by G.
Protein change: p.Tyr224Cys; replaces tyrosine 224 with cysteine.
Molecular consequence: missense variant.
Genome position (GRCh38, 1-based): chr16:23,434,652, T>C on the plus strand (A>G on the coding strand, the complement: COG7 is on the minus strand). VCF-style: chr16-23434652-T-C. GRCh37 (hg19) VCF-style: chr16-23445973-T-C.
Other names: short protein forms Y224C.
Identifiers: ClinVar variation 5005555 (VCV005005555.2).